The following is an entry in ClinVar:

ClinVar aggregate classification (germline): Uncertain significance (1 of 4 stars; one submission).

Conditions:
Pyridoxine-dependent epilepsy (EPEO4). Also called: Pyridoxine-Dependent Seizures; EPILEPSY, EARLY-ONSET, 4, VITAMIN B6-DEPENDENT; PYRIDOXINE DEPENDENCY WITH SEIZURES; Pyridoxine-Dependent Epilepsy - ALDH7A1. Identifiers: Orphanet 3006, MedGen C1849508, MONDO:0009945, OMIM 266100. Disease mechanism: loss of function.

Submission:

Labcorp Genetics (formerly Invitae), Labcorp
Classification: Uncertain significance for Pyridoxine-dependent epilepsy. Last evaluated: 2025-08-31. Review status: criteria provided, single submitter. Criteria: Invitae Variant Classification Sherloc (09022015). Collection method: clinical testing. Allele origin: germline.
Comment: This variant, c.666_668del, results in the deletion of 1 amino acid(s) of the ALDH7A1 protein (p.Thr223del), but otherwise preserves the integrity of the reading frame. This variant is not present in population databases (gnomAD no frequency). This variant has not been reported in the literature in individuals affected with ALDH7A1-related conditions. Experimental studies and prediction algorithms are not available or were not evaluated, and the functional significance of this variant is currently unknown. In summary, the available evidence is currently insufficient to determine the role of this variant in disease. Therefore, it has been classified as a Variant of Uncertain Significance.

NM_001182.5(ALDH7A1):c.666_668del (p.Thr223del)

Gene: ALDH7A1 (aldehyde dehydrogenase 7 family member A1; minus strand). Cytogenetic location: 5q23.2.
Variant type: Deletion.
Coding change: c.666_668del on transcript NM_001182.5 (MANE Select); coding-DNA positions 666 to 668, 3 bases deleted (CAC; older notation c.666_668delCAC).
Protein change: p.Thr223del; deletes threonine 223.
Genome position (GRCh38, 1-based): chr5:126,575,447-126,575,449, GTG deleted on the plus strand (CAC on the coding strand, the reverse complement: ALDH7A1 is on the minus strand); deleting any 3 consecutive bases within chr5:126,575,447-126,575,451 gives the same sequence; the c. name uses the placement nearest the transcript's 3' end. VCF-style (leftmost placement, unchanged base first): chr5-126575446-AGTG-A. GRCh37 (hg19) VCF-style: chr5-125911138-AGTG-A.
Other names: c.582_584del, p.Thr195del (NM_001201377.2); c.666_668del, p.Thr223del (NM_001202404.2); short protein forms T223del, T195del.
Identifiers: ClinVar variation 4774787 (VCV004774787.1).